The following is an entry in ClinVar:

ClinVar aggregate classification (germline): Uncertain significance (1 of 4 stars; one submission).

Conditions:
Idiopathic generalized epilepsy. Also called: EIG; Generalised epilepsy. Identifiers: MedGen C0270850, MONDO:0005579, OMIM 600669.
Hyperaldosteronism, familial, type IV (HALD4). Also called: FH IV; ALDOSTERONISM, PRIMARY, AND HYPERTENSION. Identifiers: Orphanet 642671, MedGen C4310756, MONDO:0014875, OMIM 617027.

Submission:

Labcorp Genetics (formerly Invitae), Labcorp
Classification: Uncertain significance for Idiopathic generalized epilepsy; Hyperaldosteronism, familial, type IV. Last evaluated: 2023-10-16. Review status: criteria provided, single submitter. Criteria: Invitae Variant Classification Sherloc (09022015). Collection method: clinical testing. Allele origin: germline.
Comment: This sequence change replaces proline, which is neutral and non-polar, with alanine, which is neutral and non-polar, at codon 856 of the CACNA1H protein (p.Pro856Ala). This variant is not present in population databases (gnomAD no frequency). This variant has not been reported in the literature in individuals affected with CACNA1H-related conditions. Advanced modeling of protein sequence and biophysical properties (such as structural, functional, and spatial information, amino acid conservation, physicochemical variation, residue mobility, and thermodynamic stability) performed at Invitae indicates that this missense variant is expected to disrupt CACNA1H protein function. In summary, the available evidence is currently insufficient to determine the role of this variant in disease. Therefore, it has been classified as a Variant of Uncertain Significance.

NM_021098.3(CACNA1H):c.2566C>G (p.Pro856Ala)

Gene: CACNA1H (calcium voltage-gated channel subunit alpha1 H; plus strand). Cytogenetic location: 16p13.3.
Variant type: single nucleotide variant.
Coding change: c.2566C>G on transcript NM_021098.3 (MANE Select); coding-DNA position 2566, C replaced by G.
Protein change: p.Pro856Ala; replaces proline 856 with alanine.
Molecular consequence: missense variant.
Genome position (GRCh38, 1-based): chr16:1,205,228, C>G. VCF-style: chr16-1205228-C-G. GRCh37 (hg19) VCF-style: chr16-1255228-C-G.
Other names: c.2566C>G, p.Pro856Ala (NM_001005407.2); short protein forms P856A.
Identifiers: ClinVar variation 2952953 (VCV002952953.3), dbSNP rs1968541498, ClinGen allele CA394167586.